The following is an entry in ClinVar:

NM_182961.4(SYNE1):c.20900T>C (p.Val6967Ala)

Gene: SYNE1 (spectrin repeat containing nuclear envelope protein 1; minus strand). Cytogenetic location: 6q25.2.
Variant type: single nucleotide variant.
Coding change: c.20900T>C on transcript NM_182961.4 (MANE Select); coding-DNA position 20900, T replaced by C.
Protein change: p.Val6967Ala; replaces valine 6967 with alanine.
Molecular consequence: missense variant.
Genome position (GRCh38, 1-based): chr6:152,231,530, A>G on the plus strand (T>C on the coding strand, the complement: SYNE1 is on the minus strand). VCF-style: chr6-152231530-A-G. GRCh37 (hg19) VCF-style: chr6-152552665-A-G.
Other names: c.20687T>C, p.Val6896Ala (NM_033071.5); short protein forms V6967A, V6896A.
Identifiers: ClinVar variation 2099955 (VCV002099955.4), dbSNP rs796070494, ClinGen allele CA366115145.

ClinVar aggregate classification (germline): Uncertain significance (1 of 4 stars; one submission).

Conditions:
Emery-Dreifuss muscular dystrophy 4, autosomal dominant (EDMD4). Also called: EMERY-DREIFUSS MUSCULAR DYSTROPHY 4 WITH VARIABLE FEATURES. Identifiers: Orphanet 261, MedGen C2751807, MONDO:0013071, OMIM 612998.
Autosomal recessive ataxia, Beauce type. Also called: SYNE1 Deficiency; Spinocerebellar ataxia, autosomal recessive 8; ATAXIA, RECESSIVE, OF BEAUCE; SYNE1-Related Autosomal Recessive Cerebellar Ataxia. Identifiers: Orphanet 88644, MedGen C1853116, MONDO:0012549, OMIM 610743.

Submission:

Labcorp Genetics (formerly Invitae), Labcorp
Classification: Uncertain significance for Emery-Dreifuss muscular dystrophy 4, autosomal dominant; Autosomal recessive ataxia, Beauce type. Last evaluated: 2022-02-20. Review status: criteria provided, single submitter. Criteria: Invitae Variant Classification Sherloc (09022015). Collection method: clinical testing. Allele origin: germline.
Comment: Algorithms developed to predict the effect of missense changes on protein structure and function output the following: SIFT: "Tolerated"; PolyPhen-2: "Benign"; Align-GVGD: "Class C0". The alanine amino acid residue is found in multiple mammalian species, which suggests that this missense change does not adversely affect protein function. This variant has not been reported in the literature in individuals affected with SYNE1-related conditions. This variant is not present in population databases (gnomAD no frequency). This sequence change replaces valine, which is neutral and non-polar, with alanine, which is neutral and non-polar, at codon 6896 of the SYNE1 protein (p.Val6896Ala). In summary, the available evidence is currently insufficient to determine the role of this variant in disease. Therefore, it has been classified as a Variant of Uncertain Significance.